The following is an entry in ClinVar:

NM_001384732.1(CPLANE1):c.5554T>G (p.Cys1852Gly)

Gene: CPLANE1 (ciliogenesis and planar polarity effector complex subunit 1; minus strand). Cytogenetic location: 5p13.2.
Variant type: single nucleotide variant.
Coding change: c.5554T>G on transcript NM_001384732.1 (MANE Select); coding-DNA position 5554, T replaced by G.
Protein change: p.Cys1852Gly; replaces cysteine 1852 with glycine.
Molecular consequence: missense variant.
Genome position (GRCh38, 1-based): chr5:37,180,873, A>C on the plus strand (T>G on the coding strand, the complement: CPLANE1 is on the minus strand). VCF-style: chr5-37180873-A-C. GRCh37 (hg19) VCF-style: chr5-37180975-A-C.
Other names: c.5554T>G, p.Cys1852Gly (NM_023073.4); short protein forms C1852G.
Identifiers: ClinVar variation 2663091 (VCV002663091.1), dbSNP rs191940879, ClinGen allele CA3238522.

ClinVar aggregate classification (germline): Uncertain significance (1 of 4 stars; one submission).

Allele frequency attached by ClinVar (database versions not stated): gnomAD 0.00001; ExAC 0.00002; 1000 Genomes Project 0.00020; 1000 Genomes Project 30x 0.00062.
gnomAD v4.1: 3 of 1,614,032 alleles (0.00019%); highest among the groups gnomAD compares: East Asian, 0.0022%; no homozygotes.

Submission:

GeneDx
Classification: Uncertain significance. Last evaluated: 2023-05-08. Review status: criteria provided, single submitter. Criteria: GeneDx Variant Classification Process June 2021. Collection method: clinical testing. Allele origin: germline. Affected: yes.
Comment: Not observed at significant frequency in large population cohorts (gnomAD); In silico analysis supports that this missense variant has a deleterious effect on protein structure/function; Has not been previously published as pathogenic or benign to our knowledge